The following is an entry in ClinVar:

ClinVar aggregate classification (germline): Uncertain significance (1 of 4 stars; one submission).

Conditions:
RILPL1-related disorder. Also called: RILPL1-related condition.

Allele frequency attached by ClinVar (database versions not stated): gnomAD 0.00001.
gnomAD v4.1: 3 of 1,612,740 alleles (0.00019%); highest among the groups gnomAD compares: African/African-American, 0.004%; no homozygotes.

Submission:

PreventionGenetics, part of Exact Sciences
Classification: Uncertain significance for RILPL1-related condition. Last evaluated: 2023-04-06. Review status: criteria provided, single submitter. Criteria: ACMG Guidelines, 2015. Collection method: clinical testing. Allele origin: germline.
Comment: The RILPL1 c.856C>T variant is predicted to result in the amino acid substitution p.Leu286Phe. To our knowledge, this variant has not been reported in the literature or in a large population database, indicating this variant is rare. At this time, the clinical significance of this variant is uncertain due to the absence of conclusive functional and genetic evidence.

NM_178314.5(RILPL1):c.856C>T (p.Leu286Phe)

Gene: RILPL1 (Rab interacting lysosomal protein like 1; minus strand). Cytogenetic location: 12q24.31.
Variant type: single nucleotide variant.
Coding change: c.856C>T on transcript NM_178314.5 (MANE Select); coding-DNA position 856, C replaced by T.
Protein change: p.Leu286Phe; replaces leucine 286 with phenylalanine.
Molecular consequence: missense variant.
Genome position (GRCh38, 1-based): chr12:123,485,751, G>A on the plus strand (C>T on the coding strand, the complement: RILPL1 is on the minus strand). VCF-style: chr12-123485751-G-A. GRCh37 (hg19) VCF-style: chr12-123970298-G-A.
Other names: c.856C>T, p.Leu286Phe (NM_001319243.2); c.403C>T, p.Leu135Phe (NM_001319244.2, NM_001319302.2); short protein forms L135F, L286F.
Identifiers: ClinVar variation 2633828 (VCV002633828.1), dbSNP rs376089832, ClinGen allele CA387135919.
Genomic context (GRCh38, chr12:123,485,751, plus strand): 5'-TCTCGTGCAGCACGTCCCGCAGCTCCTGCAGGGTGAACCGGGGGCGGTTGGGGTCCTTGA[G>A]ATCCATGGCCACCTTCTCTGCGTCGGAGATGCTCTCCTCTCCCACCGGCTCCGTCTGGAG-3'
Protein context (NP_847884.2, residues 276-296): ISDAEKVAMD[Leu286Phe]KDPNRPRFTL